The following is an entry in ClinVar:

ClinVar aggregate classification (germline): Uncertain significance (1 of 4 stars; one submission).

Allele frequency attached by ClinVar (database versions not stated): gnomAD exomes 0.00002.
gnomAD v4.1: 13 of 1,614,070 alleles (0.00081%); highest among the groups gnomAD compares: Non-Finnish European, 0.0011%; no homozygotes.

Submission:

Ambry Genetics
Classification: Uncertain significance. Last evaluated: 2022-12-10. Review status: criteria provided, single submitter. Criteria: Ambry Variant Classification Scheme 2023. Collection method: clinical testing. Allele origin: germline.
Comment: The p.M2308K variant (also known as c.6923T>A), located in coding exon 24 of the POLQ gene, results from a T to A substitution at nucleotide position 6923. The methionine at codon 2308 is replaced by lysine, an amino acid with similar properties. This amino acid position is conserved. In addition, this alteration is predicted to be tolerated by in silico analysis. Since supporting evidence is limited at this time, the clinical significance of this alteration remains unclear.

NM_199420.4(POLQ):c.6923T>A (p.Met2308Lys)

Gene: POLQ (DNA polymerase theta; minus strand). Cytogenetic location: 3q13.33.
Variant type: single nucleotide variant.
Coding change: c.6923T>A on transcript NM_199420.4 (MANE Select); coding-DNA position 6923, T replaced by A.
Protein change: p.Met2308Lys; replaces methionine 2308 with lysine.
Molecular consequence: missense variant.
Genome position (GRCh38, 1-based): chr3:121,467,563, A>T on the plus strand (T>A on the coding strand, the complement: POLQ is on the minus strand). VCF-style: chr3-121467563-A-T. GRCh37 (hg19) VCF-style: chr3-121186410-A-T.
Other names: short protein forms M2308K.
Identifiers: ClinVar variation 2497186 (VCV002497186.2), dbSNP rs2047848462, ClinGen allele CA354110013.